The following is an entry in ClinVar:

ClinVar aggregate classification (germline): Uncertain significance (1 of 4 stars; one submission).

gnomAD v4.1: 37 of 1,551,940 alleles (0.0024%); highest among the groups gnomAD compares: Non-Finnish European, 0.0031%; no homozygotes.

Submission:

Labcorp Genetics (formerly Invitae), Labcorp
Classification: Uncertain significance. Last evaluated: 2024-03-31. Review status: criteria provided, single submitter. Criteria: Invitae Variant Classification Sherloc (09022015). Collection method: clinical testing. Allele origin: germline.
Comment: This sequence change replaces serine, which is neutral and polar, with tyrosine, which is neutral and polar, at codon 1135 of the WDR87 protein (p.Ser1135Tyr). This variant is present in population databases (no rsID available, gnomAD 0.002%). This variant has not been reported in the literature in individuals affected with WDR87-related conditions. An algorithm developed to predict the effect of missense changes on protein structure and function (PolyPhen-2) suggests that this variant is likely to be tolerated. In summary, the available evidence is currently insufficient to determine the role of this variant in disease. Therefore, it has been classified as a Variant of Uncertain Significance.

NM_001291088.2(WDR87):c.3521C>A (p.Ser1174Tyr)

Gene: WDR87 (WD repeat domain 87; minus strand). Cytogenetic location: 19q13.13.
Variant type: single nucleotide variant.
Coding change: c.3521C>A on transcript NM_001291088.2 (MANE Select); coding-DNA position 3521, C replaced by A.
Protein change: p.Ser1174Tyr; replaces serine 1174 with tyrosine.
Molecular consequence: missense variant.
Genome position (GRCh38, 1-based): chr19:37,890,150, G>T on the plus strand (C>A on the coding strand, the complement: WDR87 is on the minus strand). VCF-style: chr19-37890150-G-T. GRCh37 (hg19) VCF-style: chr19-38380790-G-T.
Other names: c.3404C>A, p.Ser1135Tyr (NM_031951.5); short protein forms S1174Y, S1135Y.
Identifiers: ClinVar variation 3684932 (VCV003684932.2).